The following is an entry in ClinVar:

ClinVar aggregate classification (germline): Likely benign. Review status: criteria provided, multiple submitters, no conflicts (2 of 4 stars). 3 submissions from 3 submitters: Likely benign (3). Last evaluated 2025-02-05.

Conditions:
Ataxia-telangiectasia syndrome (AT). Also called: LOUIS-BAR SYNDROME; Cerebello-oculocutaneous telangiectasia; Immunodeficiency with ataxia telangiectasia; Ataxia-telangiectasia, complementation group D; AT, COMPLEMENTATION GROUP C; Ataxia-telangiectasia, complementation group E. Identifiers: Orphanet 100, MedGen C0004135, MONDO:0008840, OMIM 208900.
Familial cancer of breast. Also called: Hereditary breast cancer; BREAST CANCER, FAMILIAL; hereditary breast carcinoma. Identifiers: Orphanet 227535, MedGen C0346153, MONDO:0016419, OMIM 114480. Disease mechanism: loss of function.

Allele frequency attached by ClinVar (database versions not stated): gnomAD 0.00001; TOPMed 0.00003.
gnomAD v4.1: 4 of 1,609,968 alleles (0.00025%); highest among the groups gnomAD compares: Admixed American, 0.0017%; no homozygotes.

Submissions (3):

Labcorp Genetics (formerly Invitae), Labcorp
Classification: Likely benign for Ataxia-telangiectasia syndrome. Last evaluated: 2025-02-05. Review status: criteria provided, single submitter. Criteria: Invitae Variant Classification Sherloc (09022015). Collection method: clinical testing. Allele origin: germline.

Myriad Genetics, Inc.
Classification: Likely benign for Familial cancer of breast. Last evaluated: 2024-06-21. Review status: criteria provided, single submitter. Criteria: Myriad Autosomal Dominant, Autosomal Recessive and X-Linked Classification Criteria (2023). Collection method: clinical testing. Allele origin: unknown.
Comment: This variant is considered likely benign. This variant is intronic and is not expected to impact mRNA splicing.

GeneDx
Classification: Likely benign. Last evaluated: 2016-10-27. Review status: criteria provided, single submitter. Criteria: GeneDx Variant Classification (06012015). Collection method: clinical testing. Allele origin: germline. Affected: yes.
Comment: This variant is considered likely benign or benign based on one or more of the following criteria: it is a conservative change, it occurs at a poorly conserved position in the protein, it is predicted to be benign by multiple in silico algorithms, and/or has population frequency not consistent with disease.

NM_000051.4(ATM):c.8787-14G>A

Genes: C11orf65 (chromosome 11 open reading frame 65; minus strand), ATM (ATM serine/threonine kinase; plus strand). Cytogenetic location: 11q22.3.
Variant type: single nucleotide variant.
Coding change: c.8787-14G>A on transcript NM_000051.4 (MANE Select); 14 bases into the intron before coding-DNA position 8787, G replaced by A.
Molecular consequence: intron variant.
Genome position (GRCh38, 1-based): chr11:108,354,797, G>A. VCF-style: chr11-108354797-G-A. GRCh37 (hg19) VCF-style: chr11-108225524-G-A.
Other names: c.8787-14G>A (NM_001351834.2); c.640+31123C>T (NM_001330368.2); c.695-19505C>T (NM_001351110.2).
Identifiers: ClinVar variation 390598 (VCV000390598.11), dbSNP rs994348665, ClinGen allele CA16605842.